The following is an entry in ClinVar:

ClinVar aggregate classification (germline): Uncertain significance (1 of 4 stars; one submission).

Conditions:
Schuurs-Hoeijmakers syndrome. Also called: PACS1-Related Neurodevelopmental Disorder. Identifiers: Orphanet 329224, MedGen C3554343, MONDO:0014006, OMIM 615009.

Allele frequency attached by ClinVar (database versions not stated): gnomAD exomes below 0.00001.
gnomAD v4.1: 2 of 1,613,750 alleles (0.00012%); highest among the groups gnomAD compares: Non-Finnish European, 0.00017%; no homozygotes.

Submission:

Labcorp Genetics (formerly Invitae), Labcorp
Classification: Uncertain significance for Schuurs-Hoeijmakers syndrome. Last evaluated: 2025-03-24. Review status: criteria provided, single submitter. Criteria: Invitae Variant Classification Sherloc (09022015). Collection method: clinical testing. Allele origin: germline.
Comment: This sequence change replaces arginine, which is basic and polar, with glutamine, which is neutral and polar, at codon 185 of the PACS1 protein (p.Arg185Gln). This variant is not present in population databases (gnomAD no frequency). This variant has not been reported in the literature in individuals affected with PACS1-related conditions. ClinVar contains an entry for this variant (Variation ID: 2847093). Invitae Evidence Modeling of protein sequence and biophysical properties (such as structural, functional, and spatial information, amino acid conservation, physicochemical variation, residue mobility, and thermodynamic stability) indicates that this missense variant is not expected to disrupt PACS1 protein function with a negative predictive value of 80%. In summary, the available evidence is currently insufficient to determine the role of this variant in disease. Therefore, it has been classified as a Variant of Uncertain Significance.

NM_018026.4(PACS1):c.554G>A (p.Arg185Gln)

Gene: PACS1 (phosphofurin acidic cluster sorting protein 1; plus strand). Cytogenetic location: 11q13.2.
Variant type: single nucleotide variant.
Coding change: c.554G>A on transcript NM_018026.4 (MANE Select); coding-DNA position 554, G replaced by A.
Protein change: p.Arg185Gln; replaces arginine 185 with glutamine.
Molecular consequence: missense variant.
Genome position (GRCh38, 1-based): chr11:66,211,153, G>A. VCF-style: chr11-66211153-G-A. GRCh37 (hg19) VCF-style: chr11-65978624-G-A.
Other names: short protein forms R185Q.
Identifiers: ClinVar variation 2847093 (VCV002847093.3), dbSNP rs2495539054, ClinGen allele CA381341391.
Genomic context (GRCh38, chr11:66,211,153, plus strand): 5'-CTGCCCATTAACCACGCTCGACTCTGTTTTGTATTTCGTAGTACCCTCATTTCCTTAAGC[G>A]AGATGCCAACAAGCTGCAGATCATGCTGCAAAGGAGAAAACGTTACAAGAATCGGACCAT-3'
Protein context (NP_060496.2, residues 175-195): FSLQYPHFLK[Arg185Gln]DANKLQIMLQ